The following is an entry in ClinVar:

NM_001851.6(COL9A1):c.1144-1G>C

Genes: COL9A1 (collagen type IX alpha 1 chain; minus strand), LOC129996692 (ATAC-STARR-seq lymphoblastoid active region 24730; plus strand). Cytogenetic location: 6q13.
Variant type: single nucleotide variant.
Coding change: c.1144-1G>C on transcript NM_001851.6 (MANE Select); the canonical splice acceptor site of the intron before coding-DNA position 1144, G replaced by C.
Molecular consequence: splice acceptor variant.
Genome position (GRCh38, 1-based): chr6:70,270,368, C>G on the plus strand (G>C on the coding strand, the complement: COL9A1 is on the minus strand). VCF-style: chr6-70270368-C-G. GRCh37 (hg19) VCF-style: chr6-70980071-C-G.
Other names: c.415-1G>C (NM_001377290.1, NM_078485.4, NM_001377289.1).
Identifiers: ClinVar variation 4708548 (VCV004708548.1).

ClinVar aggregate classification (germline): Likely pathogenic (1 of 4 stars; one submission).

Submission:

Labcorp Genetics (formerly Invitae), Labcorp
Classification: Likely pathogenic. Last evaluated: 2025-06-17. Review status: criteria provided, single submitter. Criteria: Invitae Variant Classification Sherloc (09022015). Collection method: clinical testing. Allele origin: germline.
Comment: This sequence change affects an acceptor splice site in intron 14 of the COL9A1 gene. It is expected to disrupt RNA splicing. Variants that disrupt the donor or acceptor splice site typically lead to a loss of protein function (PMID: 16199547), and loss-of-function variants in COL9A1 are known to be pathogenic (PMID: 16909383, 21421862). This variant is not present in population databases (gnomAD no frequency). This variant has not been reported in the literature in individuals affected with COL9A1-related conditions. Algorithms developed to predict the effect of sequence changes on RNA splicing suggest that this variant may disrupt the consensus splice site. In summary, the currently available evidence indicates that the variant is pathogenic, but additional data are needed to prove that conclusively. Therefore, this variant has been classified as Likely Pathogenic.

Literature cited by the submitters: PubMed 16199547; PubMed 16909383; PubMed 21421862.